The following is an entry in ClinVar:

NM_001190417.2(ZNF674):c.255C>T (p.Asp85=)

Gene: ZNF674 (zinc finger protein 674; minus strand). Cytogenetic location: Xp11.3.
Variant type: single nucleotide variant.
Coding change: c.255C>T on transcript NM_001190417.2 (MANE Select); coding-DNA position 255, C replaced by T.
Protein change: p.Asp85=; no amino-acid change (aspartic acid 85 retained).
Molecular consequence: synonymous variant.
Genome position (GRCh38, 1-based): chrX:46,501,319, G>A on the plus strand (C>T on the coding strand, the complement: ZNF674 is on the minus strand). VCF-style: chrX-46501319-G-A. GRCh37 (hg19) VCF-style: chrX-46360754-G-A.
Other names: c.270C>T, p.Asp90= (NM_001039891.3); c.252C>T, p.Asp84= (NM_001146291.2).
Identifiers: ClinVar variation 3034881 (VCV003034881.2), dbSNP rs370415210, ClinGen allele CA10393450.
Genomic context (GRCh38, chrX:46,501,319, plus strand): 5'-TATGAATGCAGCTTGCCACAGAAATTTGTCTTGGCTTTCCTTGTAGTGATCTATCTGCTC[G>A]TCAACTTCCCAGACTTCTAGAAGAAAATGCAATGAATCATCAAACTTGTCTTCCCACTAT-3'
Protein context (NP_001177346.1, residues 75-95): VRTCAEVWEV[Asp85=]EQIDHYKESQ

ClinVar aggregate classification (germline): Likely benign (0 of 4 stars; one submission).

Conditions:
ZNF674-related disorder. Also called: ZNF674-related condition.

Allele frequency attached by ClinVar (database versions not stated): gnomAD exomes 0.00001; ExAC 0.00003; gnomAD 0.00003; ESP Exome Variant Server 0.00009; 1000 Genomes Project 30x 0.00021; 1000 Genomes Project 0.00026.
gnomAD v4.1: 18 of 1,201,817 alleles (0.0015%); highest among the groups gnomAD compares: South Asian, 0.0073%; no homozygotes.

Submission:

PreventionGenetics, part of Exact Sciences
Classification: Likely benign for ZNF674-related condition. Last evaluated: 2019-08-08. Review status: no assertion criteria provided. Collection method: clinical testing. Allele origin: germline.
Comment: This variant is classified as likely benign based on ACMG/AMP sequence variant interpretation guidelines (Richards et al. 2015 PMID: 25741868, with internal and published modifications).